The following is an entry in ClinVar:

NM_000218.3(KCNQ1):c.124G>T (p.Glu42Ter)

Gene: KCNQ1 (potassium voltage-gated channel subfamily Q member 1; plus strand). Cytogenetic location: 11p15.5.
Variant type: single nucleotide variant.
Coding change: c.124G>T on transcript NM_000218.3 (MANE Select); coding-DNA position 124, G replaced by T.
Protein change: p.Glu42Ter; replaces glutamic acid 42 with a stop codon.
Molecular consequence: nonsense.
Genome position (GRCh38, 1-based): chr11:2,445,222, G>T. VCF-style: chr11-2445222-G-T. GRCh37 (hg19) VCF-style: chr11-2466452-G-T.
Other names: short protein forms E42*.
Identifiers: ClinVar variation 488698 (VCV000488698.2), dbSNP rs1554958047, ClinGen allele CA379116274.

ClinVar aggregate classification (germline): Likely pathogenic (1 of 4 stars; one submission).

Submission:

GeneDx
Classification: Likely pathogenic. Last evaluated: 2017-09-06. Review status: criteria provided, single submitter. Criteria: GeneDx Variant Classification (06012015). Collection method: clinical testing. Allele origin: germline. Affected: yes.
Comment: The E42X variant in the KCNH2 gene has not been reported as pathogenic or benign to our knowledge. This variant is predicted to cause loss of normal protein function either by protein truncation or nonsense-mediated mRNA decay. Many other nonsense variants in the KCNQ1 gene have been reported in HGMD in association with LQTS (Stenson et al., 2014). However, no data are available to assess the frequency of this variant in control populations.Therefore, E42X in the KCNQ1 gene is likely pathogenic.